The following is an entry in ClinVar:

NM_033071.5(SYNE1):c.7736_7737delAG

Gene: SYNE1 (spectrin repeat containing nuclear envelope protein 1; minus strand). Cytogenetic location: 6q25.2.
Variant type: Microsatellite.
Coding change: c.7736_7737delAG on transcript NM_033071.5; coding-DNA positions 7736 to 7737, 2 bases deleted (AG).
Molecular consequence: splice acceptor variant.
Genome position (GRCh38, 1-based): chr6:152,391,565-152,391,566, CT deleted on the plus strand (AG on the coding strand, the reverse complement: SYNE1 is on the minus strand); deleting any 2 consecutive bases within chr6:152,391,565-152,391,570 gives the same sequence; the c. name uses the placement nearest the transcript's 3' end. VCF-style (leftmost placement, unchanged base first): chr6-152391564-ACT-A. GRCh37 (hg19) VCF-style: chr6-152712699-ACT-A.
Identifiers: ClinVar variation 4845662 (VCV004845662.1).

ClinVar aggregate classification (germline): Likely pathogenic (1 of 4 stars; one submission).

Conditions:
Autosomal recessive ataxia, Beauce type. Also called: ATAXIA, RECESSIVE, OF BEAUCE; SYNE1-Related Autosomal Recessive Cerebellar Ataxia; Spinocerebellar ataxia, autosomal recessive 8; SYNE1 Deficiency. Identifiers: Orphanet 88644, MedGen C1853116, MONDO:0012549, OMIM 610743.
Arthrogryposis multiplex congenita 3, myogenic type. Also called: ARTHROGRYPOSIS MULTIPLEX CONGENITA, MYOGENIC TYPE. Identifiers: MedGen C5193121, MONDO:0032778, OMIM 618484.

Submission:

First Genomix Gene Laboratory, Genetic Diagnostics Department
Classification: Likely pathogenic for Arthrogryposis multiplex congenita 3, myogenic type; Autosomal recessive ataxia, Beauce type. Last evaluated: 2025-01-10. Review status: criteria provided, single submitter. Criteria: ACMG Guidelines, 2015. Collection method: clinical testing. Allele origin: germline. Inheritance: Autosomal recessive inheritance. Affected: no. Observed: 1 variant allele.